The following is an entry in ClinVar:

NM_004415.4(DSP):c.7438C>T (p.Gln2480Ter)

Gene: DSP (desmoplakin; plus strand). Cytogenetic location: 6p24.3.
Variant type: single nucleotide variant.
Coding change: c.7438C>T on transcript NM_004415.4 (MANE Select); coding-DNA position 7438, C replaced by T.
Protein change: p.Gln2480Ter; replaces glutamine 2480 with a stop codon.
Molecular consequence: nonsense.
Genome position (GRCh38, 1-based): chr6:7,584,700, C>T. VCF-style: chr6-7584700-C-T. GRCh37 (hg19) VCF-style: chr6-7584933-C-T.
Other names: c.5641C>T, p.Gln1881Ter (NM_001008844.3); c.6109C>T, p.Gln2037Ter (NM_001319034.2); short protein forms Q2037*, Q2480*, Q1881*.
Identifiers: ClinVar variation 2775362 (VCV002775362.3), dbSNP rs2533945847, ClinGen allele CA362693005.

ClinVar aggregate classification (germline): Likely pathogenic. Review status: criteria provided, multiple submitters, no conflicts (2 of 4 stars). 2 submissions from 2 submitters: Likely pathogenic (2). Last evaluated 2023-06-08.

Conditions:
Cardiomyopathy (CMYO). Also called: Cardiomyopathies. Identifiers: Orphanet 167848, MedGen C0878544, MONDO:0004994, HP:0001638. Inheritance: Various modes of inheritance.
Arrhythmogenic cardiomyopathy with wooly hair and keratoderma. Also called: PALMOPLANTAR KERATODERMA WITH LEFT VENTRICULAR CARDIOMYOPATHY AND WOOLLY HAIR; Dilated cardiomyopathy with woolly hair and keratoderma; Arrhythmogenic cardiomyopathy with woolly hair and keratoderma; Carvajal syndrome. Identifiers: Orphanet 65282, MedGen C1854063, MONDO:0011581, OMIM 605676.

Submissions (2):

All of Us Research Program, National Institutes of Health
Classification: Likely pathogenic for Arrhythmogenic cardiomyopathy with wooly hair and keratoderma. Last evaluated: 2023-06-08. Review status: criteria provided, single submitter. Criteria: ACMG Guidelines, 2015. Collection method: clinical testing. Allele origin: germline. Inheritance: Autosomal dominant inheritance. Observed: 1 variant allele, 1 heterozygote.
Comment: This variant changes 1 nucleotide in exon 24 of the DSP gene, creating a premature translation stop signal in the last exon. This variant is predicted to escape nonsense-mediated decay and be expressed as a truncated protein. Although functional studies have not been reported, this variant is expected to disrupt the plakin repeat domain C (a.a. 2609-2822) and downstream C-terminal sequence, which have been reported to be essential for interaction with intermediate filaments (PMID: 12101406, 12802069, 21756917). In addition, truncating variants occurring downstream of this variant are known to be disease-causing (ClinVar variation ID: 1326970, 432027, 246676). To our knowledge, this variant has not been reported in individuals affected with cardiovascular disorders in the literature. This variant has not been identified in the general population by the Genome Aggregation Database (gnomAD). Loss of DSP function is a known mechanism of disease. Based on the available evidence, this variant is classified as Likely Pathogenic.

This study involves interpretation of variants in research participants for the purpose of population health screening. Participant phenotype was not available at the time of variant classification. Additional details can be found in publication PMID: 35346344, PMCID: PMC8962531

Color Diagnostics, LLC DBA Color Health
Classification: Likely pathogenic for Cardiomyopathy. Last evaluated: 2023-03-15. Review status: criteria provided, single submitter. Criteria: ACMG Guidelines, 2015. Collection method: clinical testing. Allele origin: germline.
Comment: This variant changes 1 nucleotide in exon 24 of the DSP gene, creating a premature translation stop signal in the last exon. This variant is predicted to escape nonsense-mediated decay and be expressed as a truncated protein. Although functional studies have not been reported, this variant is expected to disrupt the plakin repeat domain C (a.a. 2609-2822) and downstream C-terminal sequence, which have been reported to be essential for interaction with intermediate filaments (PMID: 12101406, 12802069, 21756917). In addition, truncating variants occurring downstream of this variant are known to be disease-causing (ClinVar variation ID: 1326970, 432027, 246676). To our knowledge, this variant has not been reported in individuals affected with cardiovascular disorders in the literature. This variant has not been identified in the general population by the Genome Aggregation Database (gnomAD). Loss of DSP function is a known mechanism of disease. Based on the available evidence, this variant is classified as Likely Pathogenic.

Literature cited by the submitters: PubMed 12101406 (cited by All of Us Research Program, National Institutes of Health and Color Diagnostics, LLC DBA Color Health); PubMed 12802069 (cited by All of Us Research Program, National Institutes of Health and Color Diagnostics, LLC DBA Color Health); PubMed 21756917 (cited by All of Us Research Program, National Institutes of Health and Color Diagnostics, LLC DBA Color Health).